The following is an entry in ClinVar:

NM_000541.5(SAG):c.5C>T (p.Ala2Val)

Gene: SAG (S-antigen visual arrestin; plus strand). Cytogenetic location: 2q37.1.
Variant type: single nucleotide variant.
Coding change: c.5C>T on transcript NM_000541.5 (MANE Select); coding-DNA position 5, C replaced by T.
Protein change: p.Ala2Val; replaces alanine 2 with valine.
Molecular consequence: missense variant.
Genome position (GRCh38, 1-based): chr2:233,309,194, C>T. VCF-style: chr2-233309194-C-T. GRCh37 (hg19) VCF-style: chr2-234217840-C-T.
Other names: c.5C>T (NM_000541.4); short protein forms A2V.
Identifiers: ClinVar variation 3008843 (VCV003008843.4), dbSNP rs779256859, ClinGen allele CA2174172.

ClinVar aggregate classification (germline): Uncertain significance. Review status: criteria provided, multiple submitters, no conflicts (2 of 4 stars). 2 submissions from 2 submitters: Uncertain significance (2). Last evaluated 2024-10-09.

Conditions:
Inborn genetic diseases. Identifiers: MedGen C0950123, MeSH D030342.

Allele frequency attached by ClinVar (database versions not stated): gnomAD exomes below 0.00001; ExAC 0.00001; gnomAD 0.00001; TOPMed 0.00001.
gnomAD v4.1: 5 of 1,613,326 alleles (0.00031%); highest among the groups gnomAD compares: Non-Finnish European, 0.00042%; no homozygotes.

Submissions (2):

Ambry Genetics
Classification: Uncertain significance for Inborn genetic diseases. Last evaluated: 2024-10-09. Review status: criteria provided, single submitter. Criteria: Ambry Variant Classification Scheme 2023. Collection method: clinical testing. Allele origin: germline.

Labcorp Genetics (formerly Invitae), Labcorp
Classification: Uncertain significance. Last evaluated: 2023-01-18. Review status: criteria provided, single submitter. Criteria: Invitae Variant Classification Sherloc (09022015). Collection method: clinical testing. Allele origin: germline.
Comment: In summary, the available evidence is currently insufficient to determine the role of this variant in disease. Therefore, it has been classified as a Variant of Uncertain Significance. This sequence change replaces alanine, which is neutral and non-polar, with valine, which is neutral and non-polar, at codon 2 of the SAG protein (p.Ala2Val). This variant is not present in population databases (gnomAD no frequency). This variant has not been reported in the literature in individuals affected with SAG-related conditions. Algorithms developed to predict the effect of missense changes on protein structure and function are either unavailable or do not agree on the potential impact of this missense change (SIFT: "Tolerated"; PolyPhen-2: "Possibly Damaging"; Align-GVGD: "Class C0").